The following is an entry in ClinVar:

NM_001375524.1(TRRAP):c.6673C>A (p.Arg2225Ser)

Gene: TRRAP (transformation/transcription domain associated protein; plus strand). Cytogenetic location: 7q22.1.
Variant type: single nucleotide variant.
Coding change: c.6673C>A on transcript NM_001375524.1 (MANE Select); coding-DNA position 6673, C replaced by A.
Protein change: p.Arg2225Ser; replaces arginine 2225 with serine.
Molecular consequence: missense variant.
Genome position (GRCh38, 1-based): chr7:98,961,444, C>A. VCF-style: chr7-98961444-C-A. GRCh37 (hg19) VCF-style: chr7-98559067-C-A.
Other names: c.6652C>A, p.Arg2218Ser (NM_001244580.2); c.6598C>A, p.Arg2200Ser (NM_003496.4); short protein forms R2200S, R2218S, R2225S.
Identifiers: ClinVar variation 3345693 (VCV003345693.1).

ClinVar aggregate classification (germline): Uncertain significance (0 of 4 stars; one submission).

Conditions:
TRRAP-related disorder. Also called: TRRAP-related condition.

Submission:

PreventionGenetics, part of Exact Sciences
Classification: Uncertain significance for TRRAP-related condition. Last evaluated: 2024-05-18. Review status: no assertion criteria provided. Collection method: clinical testing. Allele origin: germline.
Comment: The TRRAP c.6598C>A variant is predicted to result in the amino acid substitution p.Arg2200Ser. To our knowledge, this variant has not been reported in the literature or in a large population database, indicating this variant is rare. At this time, the clinical significance of this variant is uncertain due to the absence of conclusive functional and genetic evidence.